The following is an entry in ClinVar:

NM_002578.5(PAK3):c.1600G>A (p.Ala534Thr)

Gene: PAK3 (p21 (RAC1) activated kinase 3; plus strand). Cytogenetic location: Xq23.
Variant type: single nucleotide variant.
Coding change: c.1600G>A on transcript NM_002578.5 (MANE Select); coding-DNA position 1600, G replaced by A.
Protein change: p.Ala534Thr; replaces alanine 534 with threonine.
Molecular consequence: missense variant. On other transcripts: non-coding transcript variant (2).
Genome position (GRCh38, 1-based): chrX:111,220,412, G>A. VCF-style: chrX-111220412-G-A. GRCh37 (hg19) VCF-style: chrX-110463640-G-A.
Other names: c.1600G>A, p.Ala534Thr (NM_001128166.3, NM_001128167.3, NM_001324325.2 and 5 more transcripts); c.1708G>A, p.Ala570Thr (NM_001128168.3); c.1663G>A, p.Ala555Thr (NM_001128172.2); c.1645G>A, p.Ala549Thr (NM_001128173.3, NM_001324327.2, NM_001324328.2 and 2 more transcripts); short protein forms A570T, A534T, A549T, A555T.
Identifiers: ClinVar variation 2184001 (VCV002184001.4), dbSNP rs2524534012, ClinGen allele CA414237074.

ClinVar aggregate classification (germline): Uncertain significance (1 of 4 stars; one submission).

Submission:

Labcorp Genetics (formerly Invitae), Labcorp
Classification: Uncertain significance. Last evaluated: 2022-12-29. Review status: criteria provided, single submitter. Criteria: Invitae Variant Classification Sherloc (09022015). Collection method: clinical testing. Allele origin: germline.
Comment: This sequence change replaces alanine, which is neutral and non-polar, with threonine, which is neutral and polar, at codon 534 of the PAK3 protein (p.Ala534Thr). This variant is not present in population databases (gnomAD no frequency). This variant has not been reported in the literature in individuals affected with PAK3-related conditions. Algorithms developed to predict the effect of missense changes on protein structure and function are either unavailable or do not agree on the potential impact of this missense change (SIFT: "Not Available"; PolyPhen-2: "Benign"; Align-GVGD: "Not Available"). In summary, the available evidence is currently insufficient to determine the role of this variant in disease. Therefore, it has been classified as a Variant of Uncertain Significance.